The following is an entry in ClinVar:

ClinVar aggregate classification (germline): Likely pathogenic (1 of 4 stars; one submission).

Conditions:
Holt-Oram syndrome (HOS). Also called: Ventriculo-radial syndrome; Cardiac-limb syndrome; Heart-hand syndrome, type 1; TBX5-Related Holt-Oram Syndrome. Identifiers: Orphanet 392, MedGen C0265264, MONDO:0007732, OMIM 142900.

Submission:

Laboratory of Functional Genomics, Research Centre for Medical Genetics
Classification: Likely pathogenic for Holt-Oram syndrome. Last evaluated: 2025-12-22. Review status: criteria provided, single submitter. Criteria: ACMG Guidelines, 2015. Collection method: clinical testing. Allele origin: paternal, unknown. Inheritance: Autosomal dominant inheritance. Affected: yes. Observed: 1 variant allele, 1 heterozygote.
Comment: To investigate the impact of this variant on mRNA structure and expression, RNA analysis was performed on a sample isolated from the father's skin fibroblasts. The analysis demonstrated the presence of an aberrant mRNA isoform alongside the reference isoform of the TBX5 gene. This aberrant isoform contains a pseudoexon inserted between exons 7 and 8 (chr12:114366976_114367028). The inclusion of this pseudoexon results in a frameshift and leads to a truncated protein product shortened by 250 amino acids (p.Lys253Profs*17). Furthermore, the expression level of the allele carrying the c.756-632TTT>GTG variant was shown to be reduced by 20% due to degradation via the NMD. According to the ACMG 2015 criteria (PM2, PS3, PP1), this variant has been classified by us as likely pathogenic.

NM_181486.4(TBX5):c.756-634_756-632delinsGTG

Gene: TBX5 (T-box transcription factor 5; minus strand). Cytogenetic location: 12q24.21.
Variant type: Indel.
Coding change: c.756-634_756-632delinsGTG on transcript NM_181486.4 (MANE Select); 634 bases into the intron before coding-DNA position 756 through 632 bases into the intron before coding-DNA position 756, TTT replaced by GTG.
Molecular consequence: intron variant.
Genome position (GRCh38, 1-based): chr12:114,367,023-114,367,025, AAA replaced by CAC on the plus strand (TTT replaced by GTG on the coding strand, the reverse complement: TBX5 is on the minus strand). VCF-style: chr12-114367023-AAA-CAC. GRCh37 (hg19) VCF-style: chr12-114804828-AAA-CAC.
Other names: chr12:114367023AAA>CAC; c.606-634_606-632delinsGTG (NM_080717.4); c.756-634_756-632delinsGTG (NM_000192.3).
Identifiers: ClinVar variation 4819998 (VCV004819998.1).